The following is an entry in ClinVar:

NM_000414.4(HSD17B4):c.349+39T>C

Gene: HSD17B4 (hydroxysteroid 17-beta dehydrogenase 4; plus strand). Cytogenetic location: 5q23.1.
Variant type: single nucleotide variant.
Coding change: c.349+39T>C on transcript NM_000414.4 (MANE Select); 39 bases into the intron after coding-DNA position 349, T replaced by C.
Molecular consequence: intron variant.
Genome position (GRCh38, 1-based): chr5:119,475,909, T>C. VCF-style: chr5-119475909-T-C. GRCh37 (hg19) VCF-style: chr5-118811604-T-C.
Other names: c.424+39T>C (NM_001199291.3); c.-63+39T>C (NM_001292028.2); c.277+39T>C (NM_001292027.2); c.295+39T>C (NM_001199292.2).
Identifiers: ClinVar variation 676897 (VCV000676897.1), dbSNP rs2678069, ClinGen allele CA3381796.

ClinVar aggregate classification (germline): Benign (1 of 4 stars; one submission).

Allele frequency attached by ClinVar (database versions not stated): gnomAD exomes 0.00212 and 0.00554; ExAC 0.00684; 1000 Genomes Project 0.01977; gnomAD 0.02086 and 0.02259; 1000 Genomes Project 30x 0.02108; TOPMed 0.02368; ESP Exome Variant Server 0.02407.
gnomAD v4.1: 6,008 of 1,411,570 alleles (0.43%); highest among the groups gnomAD compares: African/African-American, 7.3%; 188 homozygotes.

Submission:

GeneDx
Classification: Benign. Last evaluated: 2018-06-16. Review status: criteria provided, single submitter. Criteria: GeneDx Variant Classification (06012015). Collection method: clinical testing. Allele origin: germline. Affected: yes.
Comment: This variant is considered likely benign or benign based on one or more of the following criteria: it is a conservative change, it occurs at a poorly conserved position in the protein, it is predicted to be benign by multiple in silico algorithms, and/or has population frequency not consistent with disease.